The following is an entry in ClinVar:

ClinVar aggregate classification (germline): Uncertain significance. Review status: criteria provided, multiple submitters, no conflicts (2 of 4 stars). 3 submissions from 3 submitters: Uncertain significance (3). Last evaluated 2023-10-01.

Conditions:
Retinal dystrophy. Also called: Inherited retinal dystrophy. Identifiers: Orphanet 71862, MedGen C0854723, MeSH D058499, MONDO:0019118, HP:0000556.
Inborn genetic diseases. Identifiers: MedGen C0950123, MeSH D030342.

Allele frequency attached by ClinVar (database versions not stated): gnomAD exomes 0.00001; TOPMed 0.00002.
gnomAD v4.1: 11 of 1,613,992 alleles (0.00068%); highest among the groups gnomAD compares: East Asian, 0.0045%; no homozygotes.

Submissions (3):

Dept Of Ophthalmology, Nagoya University
Classification: Uncertain significance for Retinal dystrophy. Last evaluated: 2023-10-01. Review status: criteria provided, single submitter. Criteria: Submitter's publication. Collection method: research. Allele origin: germline. Affected: yes.

Ambry Genetics
Classification: Uncertain significance for Inborn genetic diseases. Last evaluated: 2023-05-17. Review status: criteria provided, single submitter. Criteria: Ambry Variant Classification Scheme 2023. Collection method: clinical testing. Allele origin: germline.

Labcorp Genetics (formerly Invitae), Labcorp
Classification: Uncertain significance. Last evaluated: 2022-05-12. Review status: criteria provided, single submitter. Criteria: Invitae Variant Classification Sherloc (09022015). Collection method: clinical testing. Allele origin: germline.
Comment: This variant has not been reported in the literature in individuals affected with KIAA1549-related conditions. This variant is present in population databases (no rsID available, gnomAD 0.007%). This sequence change replaces proline, which is neutral and non-polar, with leucine, which is neutral and non-polar, at codon 112 of the KIAA1549 protein (p.Pro112Leu). In summary, the available evidence is currently insufficient to determine the role of this variant in disease. Therefore, it has been classified as a Variant of Uncertain Significance. Algorithms developed to predict the effect of missense changes on protein structure and function are either unavailable or do not agree on the potential impact of this missense change (SIFT: "Deleterious"; PolyPhen-2: "Benign"; Align-GVGD: "Class C0").

NM_001164665.2(KIAA1549):c.335C>T (p.Pro112Leu)

Gene: KIAA1549 (KIAA1549; minus strand). Cytogenetic location: 7q34.
Variant type: single nucleotide variant.
Coding change: c.335C>T on transcript NM_001164665.2 (MANE Select); coding-DNA position 335, C replaced by T.
Protein change: p.Pro112Leu; replaces proline 112 with leucine.
Molecular consequence: missense variant.
Genome position (GRCh38, 1-based): chr7:138,919,291, G>A on the plus strand (C>T on the coding strand, the complement: KIAA1549 is on the minus strand). VCF-style: chr7-138919291-G-A. GRCh37 (hg19) VCF-style: chr7-138604037-G-A.
Other names: c.335C>T, p.Pro112Leu (NM_020910.3); c.335C>T (NM_001164665.1); short protein forms P112L.
Identifiers: ClinVar variation 1963554 (VCV001963554.8), dbSNP rs957656652, ClinGen allele CA167167241.